The following is an entry in ClinVar:

ClinVar aggregate classification (germline): Uncertain significance. Review status: criteria provided, multiple submitters, no conflicts (2 of 4 stars). 2 submissions from 2 submitters: Uncertain significance (2). Last evaluated 2024-08-26.

Submissions (2):

GeneDx
Classification: Uncertain significance. Last evaluated: 2024-08-26. Review status: criteria provided, single submitter. Criteria: GeneDx Variant Classification Process June 2021. Collection method: clinical testing. Allele origin: germline. Affected: yes.
Comment: Not observed at significant frequency in large population cohorts (gnomAD); Frameshift variant predicted to result in protein truncation or nonsense mediated decay in a gene or region of a gene for which loss of function is not a well-established mechanism of disease; Has not been previously published as pathogenic or benign to our knowledge

Labcorp Genetics (formerly Invitae), Labcorp
Classification: Uncertain significance. Last evaluated: 2024-07-06. Review status: criteria provided, single submitter. Criteria: Invitae Variant Classification Sherloc (09022015). Collection method: clinical testing. Allele origin: germline.
Comment: This sequence change creates a premature translational stop signal (p.Val164Glyfs*23) in the SRP72 gene. It is expected to result in an absent or disrupted protein product. However, the current clinical and genetic evidence is not sufficient to establish whether loss-of-function variants in SRP72 cause disease. This variant is not present in population databases (gnomAD no frequency). This variant has not been reported in the literature in individuals affected with SRP72-related conditions. In summary, the available evidence is currently insufficient to determine the role of this variant in disease. Therefore, it has been classified as a Variant of Uncertain Significance.

NM_006947.4(SRP72):c.491del (p.Val164fs)

Gene: SRP72 (signal recognition particle 72; plus strand). Cytogenetic location: 4q12.
Variant type: Deletion.
Coding change: c.491del on transcript NM_006947.4 (MANE Select); coding-DNA position 491, one base deleted (T; older notation c.491delT).
Protein change: p.Val164fs; shifts the reading frame from valine 164.
Molecular consequence: frameshift variant. On other transcripts: non-coding transcript variant (1).
Genome position (GRCh38, 1-based): chr4:56,474,190, T deleted. VCF-style (leftmost placement, unchanged base first): chr4-56474189-GT-G. GRCh37 (hg19) VCF-style: chr4-57340355-GT-G.
Other names: c.491del, p.Val164fs (NM_001267722.2); c.491del (NM_006947.3); short protein forms V164fs.
Identifiers: ClinVar variation 2863776 (VCV002863776.4), dbSNP rs2545749506, ClinGen allele CA2739270088.
Genomic context (GRCh38, chr4:56,474,189, plus strand): 5'-GATGAGGAGAGGAAAACAAACCTTTCAGCAGTTGTTGCAGCTCAAAGCAATTGGGAAAAA[GT>G]GGTTCCAGTGAGTATCCTTGTGGTGTACCCATACAGTCATGAATTATTATTCATATTTAG-3'